The following is an entry in ClinVar:

ClinVar aggregate classification (germline): Uncertain significance. Review status: criteria provided, multiple submitters, no conflicts (2 of 4 stars). 2 submissions from 2 submitters: Uncertain significance (2). Last evaluated 2023-10-30.

Conditions:
Charcot-Marie-Tooth disease type 2. Also called: Charcot-Marie-Tooth type 2. Identifiers: Orphanet 64746, MedGen C0270914, MONDO:0018993.

Allele frequency attached by ClinVar (database versions not stated): TOPMed below 0.00001; gnomAD exomes below 0.00001.
gnomAD v4.1: 26 of 1,614,170 alleles (0.0016%); highest among the groups gnomAD compares: Non-Finnish European, 0.0022%; no homozygotes.

Submissions (2):

Labcorp Genetics (formerly Invitae), Labcorp
Classification: Uncertain significance for Charcot-Marie-Tooth disease type 2. Last evaluated: 2023-10-30. Review status: criteria provided, single submitter. Criteria: Invitae Variant Classification Sherloc (09022015). Collection method: clinical testing. Allele origin: germline.
Comment: This sequence change replaces leucine, which is neutral and non-polar, with histidine, which is basic and polar, at codon 40 of the BSCL2 protein (p.Leu40His). This variant is present in population databases (no rsID available, gnomAD 0.0009%). This variant has not been reported in the literature in individuals affected with BSCL2-related conditions. ClinVar contains an entry for this variant (Variation ID: 423315). Advanced modeling of protein sequence and biophysical properties (such as structural, functional, and spatial information, amino acid conservation, physicochemical variation, residue mobility, and thermodynamic stability) performed at Invitae indicates that this missense variant is expected to disrupt BSCL2 protein function with a positive predictive value of 80%. In summary, the available evidence is currently insufficient to determine the role of this variant in disease. Therefore, it has been classified as a Variant of Uncertain Significance.

GeneDx
Classification: Uncertain significance. Last evaluated: 2017-02-10. Review status: criteria provided, single submitter. Criteria: GeneDx Variant Classification (06012015). Collection method: clinical testing. Allele origin: germline. Affected: yes.
Comment: A variant of uncertain significance has been identified in the BSCL2 gene. The L40H variant has not been published as a pathogenic variant, nor has it been reported as a benign variant to our knowledge. The L40H variant is not observed in large population cohorts (Lek et al., 2016; 1000 Genomes Consortium et al., 2015; Exome Variant Server). The L40H variant is a non-conservative amino acid substitution, which is likely to impact secondary protein structure as these residues differ in polarity, charge, size and/or other properties. Additionally, this substitution occurs at a position that is conserved across species, and in silico analysis predicts this variant is probably damaging to the protein structure/function. Based on the currently available information, it is unclear whether this variant is a pathogenic variant or a rare benign variant.

NM_001122955.4(BSCL2):c.311T>A (p.Leu104His)

Genes: HNRNPUL2-BSCL2 (HNRNPUL2-BSCL2 readthrough (NMD candidate); minus strand), BSCL2 (BSCL2 lipid droplet biogenesis associated, seipin; minus strand). Cytogenetic location: 11q12.3.
Variant type: single nucleotide variant.
Coding change: c.311T>A on transcript NM_001122955.4 (MANE Select); coding-DNA position 311, T replaced by A.
Protein change: p.Leu104His; replaces leucine 104 with histidine.
Molecular consequence: missense variant. On other transcripts: non-coding transcript variant (1).
Genome position (GRCh38, 1-based): chr11:62,705,394, A>T on the plus strand (T>A on the coding strand, the complement: BSCL2 is on the minus strand). VCF-style: chr11-62705394-A-T. GRCh37 (hg19) VCF-style: chr11-62472866-A-T.
Other names: c.119T>A, p.Leu40His (NM_001130702.2, NM_032667.6); c.311T>A, p.Leu104His (NM_001386027.1, NM_001386028.1); short protein forms L104H, L40H.
Identifiers: ClinVar variation 423315 (VCV000423315.11), dbSNP rs990055355, ClinGen allele CA16619355.